The following is an entry in ClinVar:

NM_024426.6(WT1):c.844T>C (p.Cys282Arg)

Gene: WT1 (WT1 transcription factor; minus strand). Cytogenetic location: 11p13.
Variant type: single nucleotide variant.
Coding change: c.844T>C on transcript NM_024426.6 (MANE Select); coding-DNA position 844, T replaced by C.
Protein change: p.Cys282Arg; replaces cysteine 282 with arginine.
Molecular consequence: missense variant. On other transcripts: non-coding transcript variant (2).
Genome position (GRCh38, 1-based): chr11:32,427,999, A>G on the plus strand (T>C on the coding strand, the complement: WT1 is on the minus strand). VCF-style: chr11-32427999-A-G. GRCh37 (hg19) VCF-style: chr11-32449545-A-G.
Other names: c.844T>C, p.Cys282Arg (NM_000378.6, NM_001407044.1, NM_001407045.1 and 4 more transcripts); c.193T>C, p.Cys65Arg (NM_001198551.2, NM_001198552.2); c.721T>C, p.Cys241Arg (NM_001407047.1, NM_001407050.1); c.82T>C, p.Cys28Arg (NM_001407051.1); c.625T>C, p.Cys209Arg (NM_001429031.1, NM_001429032.1, NM_001429033.1 and 1 more transcripts); short protein forms C209R, C241R, C282R, C65R, C277R, C28R.
Identifiers: ClinVar variation 4202254 (VCV004202254.1).

ClinVar aggregate classification (germline): Uncertain significance (1 of 4 stars; one submission).

Conditions:
Inborn genetic diseases. Identifiers: MedGen C0950123, MeSH D030342.

Submission:

Ambry Genetics
Classification: Uncertain significance for Inborn genetic diseases. Last evaluated: 2025-09-11. Review status: criteria provided, single submitter. Criteria: Ambry Variant Classification Scheme 2023. Collection method: clinical testing. Allele origin: germline.
Comment: The p.C277R variant (also known as c.829T>C), located in coding exon 3 of the WT1 gene, results from a T to C substitution at nucleotide position 829. The cysteine at codon 277 is replaced by arginine, an amino acid with highly dissimilar properties. This amino acid position is conserved. In addition, this alteration is predicted to be deleterious by in silico analysis. Based on the available evidence, the clinical significance of this variant remains unclear.